The following is an entry in ClinVar:

NM_018060.4(IARS2):c.1057A>T (p.Thr353Ser)

Gene: IARS2 (isoleucyl-tRNA synthetase 2, mitochondrial; plus strand). Cytogenetic location: 1q41.
Variant type: single nucleotide variant.
Coding change: c.1057A>T on transcript NM_018060.4 (MANE Select); coding-DNA position 1057, A replaced by T.
Protein change: p.Thr353Ser; replaces threonine 353 with serine.
Molecular consequence: missense variant.
Genome position (GRCh38, 1-based): chr1:220,103,553, A>T. VCF-style: chr1-220103553-A-T. GRCh37 (hg19) VCF-style: chr1-220276895-A-T.
Other names: p.Thr353Ser; short protein forms T353S.
Identifiers: ClinVar variation 1218445 (VCV001218445.12), dbSNP rs141215374, ClinGen allele CA1401286.

ClinVar aggregate classification (germline): Conflicting classifications of pathogenicity. Review status: criteria provided, conflicting classifications (1 of 4 stars). 4 submissions from 4 submitters: Uncertain significance (1); Likely benign (3). Last evaluated 2026-01-29.

Conditions:
IARS2-related disorder. Also called: IARS2-related condition.

Allele frequency attached by ClinVar (database versions not stated): 1000 Genomes Project 0.00040; 1000 Genomes Project 30x 0.00062; gnomAD 0.00074 and 0.00083; ESP Exome Variant Server 0.00077; TOPMed 0.00096.
gnomAD v4.1: 202 of 1,600,970 alleles (0.013%); highest among the groups gnomAD compares: African/African-American, 0.25%; 2 homozygotes.

Submissions (4):

PreventionGenetics, part of Exact Sciences
Classification: Likely benign for IARS2-related condition. Last evaluated: 2026-01-29. Review status: criteria provided, single submitter. Criteria: ACMG Guidelines, 2015. Collection method: clinical testing. Allele origin: germline.
Comment: This variant is classified as likely benign based on ACMG/AMP sequence variant interpretation guidelines (Richards et al. 2015 PMID: 25741868, with internal and published modifications).

Labcorp Genetics (formerly Invitae), Labcorp
Classification: Likely benign. Last evaluated: 2025-11-01. Review status: criteria provided, single submitter. Criteria: Invitae Variant Classification Sherloc (09022015). Collection method: clinical testing. Allele origin: germline.

Mayo Clinic Laboratories, Mayo Clinic
Classification: Likely benign. Last evaluated: 2025-10-14. Review status: criteria provided, single submitter. Criteria: ACMG Guidelines, 2015. Collection method: clinical testing. Allele origin: germline. Observed: 2 variant alleles.
Comment: BS1, BP4_moderate

GeneDx
Classification: Uncertain significance. Last evaluated: 2025-04-09. Review status: criteria provided, single submitter. Criteria: GeneDx Variant Classification Process June 2021. Collection method: clinical testing. Allele origin: germline. Affected: yes.
Comment: Has not been previously published as pathogenic or benign to our knowledge; In silico analysis supports that this missense variant has a deleterious effect on protein structure/function